The following is an entry in ClinVar:

ClinVar aggregate classification (germline): Uncertain significance (1 of 4 stars; one submission).

Allele frequency attached by ClinVar (database versions not stated): gnomAD exomes below 0.00001.
gnomAD v4.1: 2 of 1,603,968 alleles (0.00012%); highest among the groups gnomAD compares: African/African-American, 0.0013%; no homozygotes.

Submission:

Labcorp Genetics (formerly Invitae), Labcorp
Classification: Uncertain significance. Last evaluated: 2022-02-21. Review status: criteria provided, single submitter. Criteria: Invitae Variant Classification Sherloc (09022015). Collection method: clinical testing. Allele origin: germline.
Comment: This sequence change replaces glycine, which is neutral and non-polar, with serine, which is neutral and polar, at codon 342 of the UBA5 protein (p.Gly342Ser). This variant also falls at the last nucleotide of exon 10, which is part of the consensus splice site for this exon. This variant is not present in population databases (gnomAD no frequency). This variant has not been reported in the literature in individuals affected with UBA5-related conditions. Algorithms developed to predict the effect of missense changes on protein structure and function are either unavailable or do not agree on the potential impact of this missense change (SIFT: "Not Available"; PolyPhen-2: "Possibly Damaging"; Align-GVGD: "Not Available"). Variants that disrupt the consensus splice site are a relatively common cause of aberrant splicing (PMID: 17576681, 9536098). Algorithms developed to predict the effect of sequence changes on RNA splicing suggest that this variant may create or strengthen a splice site. In summary, the available evidence is currently insufficient to determine the role of this variant in disease. Therefore, it has been classified as a Variant of Uncertain Significance.

Literature cited by the submitters: PubMed 17576681; PubMed 9536098.

NM_024818.6(UBA5):c.1024G>A (p.Gly342Ser)

Genes: NPHP3-ACAD11 (NPHP3-ACAD11 readthrough (NMD candidate); minus strand), UBA5 (ubiquitin like modifier activating enzyme 5; plus strand). Cytogenetic location: 3q22.1.
Variant type: single nucleotide variant.
Coding change: c.1024G>A on transcript NM_024818.6 (MANE Select); coding-DNA position 1024, G replaced by A.
Protein change: p.Gly342Ser; replaces glycine 342 with serine.
Molecular consequence: missense variant.
Genome position (GRCh38, 1-based): chr3:132,675,680, G>A. VCF-style: chr3-132675680-G-A. GRCh37 (hg19) VCF-style: chr3-132394524-G-A.
Other names: c.856G>A, p.Gly286Ser (NM_001320210.2, NM_198329.4); c.754G>A, p.Gly252Ser (NM_001321238.2); c.688G>A, p.Gly230Ser (NM_001321239.1); short protein forms G286S, G342S, G252S, G230S.
Identifiers: ClinVar variation 1939830 (VCV001939830.2), dbSNP rs780197321, ClinGen allele CA354576812.